The following is an entry in ClinVar:

ClinVar aggregate classification (germline): Uncertain significance (1 of 4 stars; one submission).

Submission:

GeneDx
Classification: Uncertain significance. Last evaluated: 2022-06-10. Review status: criteria provided, single submitter. Criteria: GeneDx Variant Classification Process June 2021. Collection method: clinical testing. Allele origin: germline. Affected: yes.
Comment: Not observed at significant frequency in large population cohorts (gnomAD); In silico analysis supports that this missense variant does not alter protein structure/function; Has not been previously published as pathogenic or benign to our knowledge; Reported using an alternate transcript of the gene

NM_001348323.3(TRIP12):c.136C>G (p.Pro46Ala)

Gene: TRIP12 (thyroid hormone receptor interactor 12; minus strand). Cytogenetic location: 2q36.3.
Variant type: single nucleotide variant.
Coding change: c.136C>G on transcript NM_001348323.3 (MANE Select); coding-DNA position 136, C replaced by G.
Protein change: p.Pro46Ala; replaces proline 46 with alanine.
Molecular consequence: missense variant. On other transcripts: intron variant (7).
Genome position (GRCh38, 1-based): chr2:229,860,494, G>C on the plus strand (C>G on the coding strand, the complement: TRIP12 is on the minus strand). VCF-style: chr2-229860494-G-C. GRCh37 (hg19) VCF-style: chr2-230725210-G-C.
Other names: c.136C>G, p.Pro46Ala (NM_001284214.2, NM_001348315.2, NM_001348319.1 and 15 more transcripts); c.98+19488C>G (NM_001284216.2); c.99-920C>G (NM_004238.3, NM_001348331.1, NM_001348317.1 and 3 more transcripts); short protein forms P46A.
Identifiers: ClinVar variation 1803301 (VCV001803301.1), dbSNP rs2060290726, ClinGen allele CA350901674.